The following is an entry in ClinVar:

ClinVar aggregate classification (germline): Likely benign. Review status: criteria provided, multiple submitters, no conflicts (2 of 4 stars). 2 submissions from 2 submitters: Likely benign (2). Last evaluated 2025-06-24.

Conditions:
Benign neonatal seizures. Also called: Benign familial neonatal seizures; Benign familial neonatal epilepsy; Convulsions benign familial neonatal dominant form; Autosomal dominant form of benign neonatal seizures; Benign neonatal familial convulsions. Identifiers: Orphanet 1949, MedGen C0220669, MONDO:0016027.

Allele frequency attached by ClinVar (database versions not stated): gnomAD 0.00001 and 0.00002; TOPMed 0.00001; gnomAD exomes 0.00006; ExAC 0.00007; 1000 Genomes Project 30x 0.00016; 1000 Genomes Project 0.00020.
gnomAD v4.1: 47 of 1,614,114 alleles (0.0029%); highest among the groups gnomAD compares: South Asian, 0.023%; no homozygotes.

Submissions (2):

Labcorp Genetics (formerly Invitae), Labcorp
Classification: Likely benign for Benign neonatal seizures. Last evaluated: 2025-06-24. Review status: criteria provided, single submitter. Criteria: Invitae Variant Classification Sherloc (09022015). Collection method: clinical testing. Allele origin: germline.

GeneDx
Classification: Likely benign. Last evaluated: 2017-10-24. Review status: criteria provided, single submitter. Criteria: GeneDx Variant Classification (06012015). Collection method: clinical testing. Allele origin: germline. Affected: yes.
Comment: This variant is considered likely benign or benign based on one or more of the following criteria: it is a conservative change, it occurs at a poorly conserved position in the protein, it is predicted to be benign by multiple in silico algorithms, and/or has population frequency not consistent with disease.

NM_004519.4(KCNQ3):c.2034C>T (p.Ser678=)

Gene: KCNQ3 (potassium voltage-gated channel subfamily Q member 3; minus strand). Cytogenetic location: 8q24.22.
Variant type: single nucleotide variant.
Coding change: c.2034C>T on transcript NM_004519.4 (MANE Select); coding-DNA position 2034, C replaced by T.
Protein change: p.Ser678=; no amino-acid change (serine 678 retained).
Molecular consequence: synonymous variant.
Genome position (GRCh38, 1-based): chr8:132,129,847, G>A on the plus strand (C>T on the coding strand, the complement: KCNQ3 is on the minus strand). VCF-style: chr8-132129847-G-A. GRCh37 (hg19) VCF-style: chr8-133142094-G-A.
Other names: c.1674C>T, p.Ser558= (NM_001204824.2).
Identifiers: ClinVar variation 516154 (VCV000516154.6), dbSNP rs560675018, ClinGen allele CA4880519.